The following is an entry in ClinVar:

ClinVar aggregate classification (germline): Uncertain significance (1 of 4 stars; one submission).

Conditions:
Catecholaminergic polymorphic ventricular tachycardia 1. Also called: RYR2-Related Catecholaminergic Polymorphic Ventricular Tachycardia; VENTRICULAR TACHYCARDIA, STRESS-INDUCED POLYMORPHIC 1; VENTRICULAR TACHYCARDIA, CATECHOLAMINERGIC POLYMORPHIC, 1, WITH OR WITHOUT ATRIAL DYSFUNCTION AND/OR DILATED CARDIOMYOPATHY. Identifiers: Orphanet 3286, MedGen C1631597, MONDO:0011484, OMIM 604772.

Submission:

Labcorp Genetics (formerly Invitae), Labcorp
Classification: Uncertain significance for Catecholaminergic polymorphic ventricular tachycardia 1. Last evaluated: 2022-06-27. Review status: criteria provided, single submitter. Criteria: Invitae Variant Classification Sherloc (09022015). Collection method: clinical testing. Allele origin: germline.
Comment: This variant results in a copy number gain of the genomic region encompassing exon(s) 2-8 of the RYR2 gene. While the exact position of this variant cannot be determined from the data, sub-genic copy number gains are generally in tandem (PMID: 25640679). This variant is predicted to be in-frame, and likely preserves the integrity of the reading frame. This variant has not been reported in the literature in individuals affected with RYR2-related conditions. Experimental studies and prediction algorithms are not available or were not evaluated, and the functional significance of this variant is currently unknown. In summary, the available evidence is currently insufficient to determine the role of this variant in disease. Therefore, it has been classified as a Variant of Uncertain Significance.

Literature cited by the submitters: PubMed 25640679.

NC_000001.10:g.(?_237433777)_(237540755_?)dup

Gene: RYR2 (ryanodine receptor 2; plus strand). Cytogenetic location: 1q43.
Variant type: Duplication.
Identifiers: ClinVar variation 1410045 (VCV001410045.42).